The following is an entry in ClinVar:

NM_006080.3(SEMA3A):c.2150_2151inv (p.Thr717Met)

Gene: SEMA3A (semaphorin 3A; minus strand). Cytogenetic location: 7q21.11.
Variant type: Inversion.
Coding change: c.2150_2151inv on transcript NM_006080.3 (MANE Select).
Protein change: p.Thr717Met; replaces threonine 717 with methionine.
Molecular consequence: missense variant.
Genome position: GRCh38 VCF-style: chr7-83961536-TG-CA. GRCh37 (hg19) VCF-style: chr7-83590852-TG-CA.
Other names: c.2150_2151delinsTG (NM_006080.2); short protein forms T717M.
Identifiers: ClinVar variation 2174235 (VCV002174235.6), ClinGen allele CA2580077424.

ClinVar aggregate classification (germline): Uncertain significance. Review status: criteria provided, single submitter (1 of 4 stars). 2 submissions from 2 submitters: Uncertain significance (1). 1 of the submissions does not count toward it. Last evaluated 2025-09-07.

Conditions:
SEMA3A-related disorder. Also called: SEMA3A-related condition.

Submissions (2):

Labcorp Genetics (formerly Invitae), Labcorp
Classification: Uncertain significance. Last evaluated: 2025-09-07. Review status: criteria provided, single submitter. Criteria: Invitae Variant Classification Sherloc (09022015). Collection method: clinical testing. Allele origin: germline.
Comment: This sequence change replaces threonine, which is neutral and polar, with methionine, which is neutral and non-polar, at codon 717 of the SEMA3A protein (p.Thr717Met). This variant is present in population databases (no rsID available, gnomAD 0.1%), and has an allele count higher than expected for a pathogenic variant. This variant has not been reported in the literature in individuals affected with SEMA3A-related conditions. ClinVar contains an entry for this variant (Variation ID: 2174235). An algorithm developed to predict the effect of missense changes on protein structure and function (PolyPhen-2) suggests that this variant is likely to be disruptive. In summary, the available evidence is currently insufficient to determine the role of this variant in disease. Therefore, it has been classified as a Variant of Uncertain Significance.

PreventionGenetics, part of Exact Sciences
Classification: Likely benign for SEMA3A-related condition. Last evaluated: 2021-10-12. Review status: no assertion criteria provided. Collection method: clinical testing. Allele origin: germline. Not counted in ClinVar's aggregate classification.
Comment: This variant is classified as likely benign based on ACMG/AMP sequence variant interpretation guidelines (Richards et al. 2015 PMID: 25741868, with internal and published modifications).